The following is an entry in ClinVar:

ClinVar aggregate classification (germline): Uncertain significance (1 of 4 stars; one submission).

Conditions:
ADCY3-related disorder. Also called: ADCY3-related condition.

gnomAD v4.1: 3 of 1,613,700 alleles (0.00019%); highest among the groups gnomAD compares: Non-Finnish European, 0.00017%; no homozygotes.

Submission:

PreventionGenetics, part of Exact Sciences
Classification: Uncertain significance for ADCY3-related condition. Last evaluated: 2026-07-08. Review status: criteria provided, single submitter. Criteria: ACMG Guidelines, 2015. Collection method: clinical testing. Allele origin: germline.
Comment: The ADCY3 c.1307C>T variant is predicted to result in the amino acid substitution p.Ser436Leu. To our knowledge, this variant has not been reported in the literature. This variant is reported in 0.0046% of alleles in individuals of European (Finnish) descent in gnomAD. At this time, the clinical significance of this variant is uncertain due to the absence of conclusive functional and genetic evidence.

NM_004036.5(ADCY3):c.1307C>T (p.Ser436Leu)

Gene: ADCY3 (adenylate cyclase 3; minus strand). Cytogenetic location: 2p23.3.
Variant type: single nucleotide variant.
Coding change: c.1307C>T on transcript NM_004036.5 (MANE Select); coding-DNA position 1307, C replaced by T.
Protein change: p.Ser436Leu; replaces serine 436 with leucine.
Molecular consequence: missense variant.
Genome position (GRCh38, 1-based): chr2:24,839,921, G>A on the plus strand (C>T on the coding strand, the complement: ADCY3 is on the minus strand). VCF-style: chr2-24839921-G-A. GRCh37 (hg19) VCF-style: chr2-25062790-G-A.
Other names: c.1307C>T, p.Ser436Leu (NM_001320613.2, NM_001377128.1, NM_001377129.1 and 2 more transcripts); c.584C>T, p.Ser195Leu (NM_001377131.1); short protein forms S436L, S195L.
Identifiers: ClinVar variation 4983733 (VCV004983733.1).